The following is an entry in ClinVar:

NM_002878.4(RAD51D):c.807C>T (p.Ser269=)

Genes: RAD51D (RAD51 paralog D; minus strand), RAD51L3-RFFL (RAD51L3-RFFL readthrough; minus strand). Cytogenetic location: 17q12.
Variant type: single nucleotide variant.
Coding change: c.807C>T on transcript NM_002878.4 (MANE Select); coding-DNA position 807, C replaced by T.
Protein change: p.Ser269=; no amino-acid change (serine 269 retained).
Molecular consequence: synonymous variant. On other transcripts: non-coding transcript variant (3).
Genome position (GRCh38, 1-based): chr17:35,101,297, G>A on the plus strand (C>T on the coding strand, the complement: RAD51D is on the minus strand). VCF-style: chr17-35101297-G-A. GRCh37 (hg19) VCF-style: chr17-33428316-G-A.
Other names: c.867C>T, p.Ser289= (NM_001142571.2); c.471C>T, p.Ser157= (NM_133629.3).
Identifiers: ClinVar variation 1134945 (VCV001134945.8), dbSNP rs764319986, ClinGen allele CA8499339.

ClinVar aggregate classification (germline): Benign/Likely benign. Review status: criteria provided, multiple submitters, no conflicts (2 of 4 stars). 2 submissions from 2 submitters: Benign (1); Likely benign (1). Last evaluated 2025-02-24.

Conditions:
Breast-ovarian cancer, familial, susceptibility to, 4. Identifiers: Orphanet 145, MedGen C3280345, MONDO:0013669, OMIM 614291.

Allele frequency attached by ClinVar (database versions not stated): gnomAD exomes below 0.00001; ExAC 0.00001.

Submissions (2):

Myriad Genetics, Inc.
Classification: Benign for Breast-ovarian cancer, familial, susceptibility to, 4. Last evaluated: 2025-02-24. Review status: criteria provided, single submitter. Criteria: Myriad Autosomal Dominant, Autosomal Recessive and X-Linked Classification Criteria (2023). Collection method: clinical testing. Allele origin: unknown.
Comment: This variant is considered benign. This variant is a silent/synonymous amino acid change and it is not expected to impact splicing.

Labcorp Genetics (formerly Invitae), Labcorp
Classification: Likely benign for Breast-ovarian cancer, familial, susceptibility to, 4. Last evaluated: 2023-03-13. Review status: criteria provided, single submitter. Criteria: Invitae Variant Classification Sherloc (09022015). Collection method: clinical testing. Allele origin: germline.